The following is an entry in ClinVar:

ClinVar aggregate classification (germline): Likely benign. Review status: criteria provided, multiple submitters, no conflicts (2 of 4 stars). 3 submissions from 3 submitters: Likely benign (3). Last evaluated 2025-06-03.

Allele frequency attached by ClinVar (database versions not stated): ExAC 0.00008; TOPMed 0.00011; ESP Exome Variant Server 0.00016.
gnomAD v4.1: 137 of 1,564,100 alleles (0.0088%); highest among the groups gnomAD compares: Non-Finnish European, 0.011%; no homozygotes.

Submissions (3):

Labcorp Genetics (formerly Invitae), Labcorp
Classification: Likely benign. Last evaluated: 2025-06-03. Review status: criteria provided, single submitter. Criteria: Invitae Variant Classification Sherloc (09022015). Collection method: clinical testing. Allele origin: germline.

Blueprint Genetics
Classification: Likely benign. Last evaluated: 2024-03-02. Review status: criteria provided, single submitter. Criteria: ACMG Guidelines, 2015. Collection method: clinical testing. Allele origin: germline.

CeGaT Center for Human Genetics Tuebingen
Classification: Likely benign. Last evaluated: 2023-06-01. Review status: criteria provided, single submitter. Criteria: CeGaT Center For Human Genetics Tuebingen Variant Classification Criteria Version 2. Collection method: clinical testing. Allele origin: germline. Affected: yes. Observed: 1 variant allele.
Comment: CACNA1B: BP4, BP7

NM_000718.4(CACNA1B):c.5352C>T (p.Asn1784=)

Gene: CACNA1B (calcium voltage-gated channel subunit alpha1 B; plus strand). Cytogenetic location: 9q34.3.
Variant type: single nucleotide variant.
Coding change: c.5352C>T on transcript NM_000718.4 (MANE Select); coding-DNA position 5352, C replaced by T.
Protein change: p.Asn1784=; no amino-acid change (asparagine 1784 retained).
Molecular consequence: synonymous variant.
Genome position (GRCh38, 1-based): chr9:138,105,731, C>T. VCF-style: chr9-138105731-C-T. GRCh37 (hg19) VCF-style: chr9-141000183-C-T.
Other names: c.5352C>T, p.Asn1784= (NM_001243812.2).
Identifiers: ClinVar variation 1979757 (VCV001979757.29), dbSNP rs199695500, ClinGen allele CA5377349.